The following is an entry in ClinVar:

NM_015047.3(EMC1):c.1935T>A (p.Asp645Glu)

Genes: EMC1 (ER membrane protein complex subunit 1; minus strand), EMC1-AS1 (EMC1 antisense RNA 1; plus strand). Cytogenetic location: 1p36.13.
Variant type: single nucleotide variant.
Coding change: c.1935T>A on transcript NM_015047.3 (MANE Select); coding-DNA position 1935, T replaced by A.
Protein change: p.Asp645Glu; replaces aspartic acid 645 with glutamic acid.
Molecular consequence: missense variant.
Genome position (GRCh38, 1-based): chr1:19,231,270, A>T on the plus strand (T>A on the coding strand, the complement: EMC1 is on the minus strand). VCF-style: chr1-19231270-A-T. GRCh37 (hg19) VCF-style: chr1-19557764-A-T.
Other names: c.1932T>A, p.Asp644Glu (NM_001271427.2, NM_001271428.2); c.1869T>A, p.Asp623Glu (NM_001271429.2); c.1944T>A, p.Asp648Glu (NM_001375820.1); c.1941T>A, p.Asp647Glu (NM_001375821.1); short protein forms D647E, D623E, D644E, D645E, D648E.
Identifiers: ClinVar variation 2812868 (VCV002812868.3), dbSNP rs2093519641, ClinGen allele CA338759115.

ClinVar aggregate classification (germline): Uncertain significance (1 of 4 stars; one submission).

Allele frequency attached by ClinVar (database versions not stated): TOPMed below 0.00001; gnomAD 0.00001.
gnomAD v4.1: 1 of 1,597,820 alleles (0.000063%); highest among the groups gnomAD compares: Non-Finnish European, 0.000085%; no homozygotes.

Submission:

Labcorp Genetics (formerly Invitae), Labcorp
Classification: Uncertain significance. Last evaluated: 2022-12-13. Review status: criteria provided, single submitter. Criteria: Invitae Variant Classification Sherloc (09022015). Collection method: clinical testing. Allele origin: germline.
Comment: In summary, the available evidence is currently insufficient to determine the role of this variant in disease. Therefore, it has been classified as a Variant of Uncertain Significance. Advanced modeling of protein sequence and biophysical properties (such as structural, functional, and spatial information, amino acid conservation, physicochemical variation, residue mobility, and thermodynamic stability) performed at Invitae indicates that this missense variant is not expected to disrupt EMC1 protein function. This variant has not been reported in the literature in individuals affected with EMC1-related conditions. This variant is not present in population databases (gnomAD no frequency). This sequence change replaces aspartic acid, which is acidic and polar, with glutamic acid, which is acidic and polar, at codon 645 of the EMC1 protein (p.Asp645Glu).